The following is an entry in ClinVar:

NM_001376.5(DYNC1H1):c.7246C>A (p.Gln2416Lys)

Gene: DYNC1H1 (dynein cytoplasmic 1 heavy chain 1; plus strand). Cytogenetic location: 14q32.31.
Variant type: single nucleotide variant.
Coding change: c.7246C>A on transcript NM_001376.5 (MANE Select); coding-DNA position 7246, C replaced by A.
Protein change: p.Gln2416Lys; replaces glutamine 2416 with lysine.
Molecular consequence: missense variant.
Genome position (GRCh38, 1-based): chr14:102,015,859, C>A. VCF-style: chr14-102015859-C-A. GRCh37 (hg19) VCF-style: chr14-102482196-C-A.
Other names: short protein forms Q2416K.
Identifiers: ClinVar variation 2663064 (VCV002663064.1), dbSNP rs2503767765, ClinGen allele CA391001709.

ClinVar aggregate classification (germline): Uncertain significance (1 of 4 stars; one submission).

Submission:

GeneDx
Classification: Uncertain significance. Last evaluated: 2023-05-09. Review status: criteria provided, single submitter. Criteria: GeneDx Variant Classification Process June 2021. Collection method: clinical testing. Allele origin: germline. Affected: yes.
Comment: Not observed at significant frequency in large population cohorts (gnomAD); In silico analysis supports that this missense variant has a deleterious effect on protein structure/function; Has not been previously published as pathogenic or benign to our knowledge; This variant is associated with the following publications: (PMID: 26100331, 25609763, 25512093)